The following is an entry in ClinVar:

ClinVar aggregate classification (germline): Uncertain significance. Review status: reviewed by expert panel (3 of 4 stars). 2 submissions from 2 submitters: Uncertain significance (1). 1 of the submissions does not count toward it. Last evaluated 2024-11-13.

Conditions:
Hereditary thrombocytopenia and hematologic cancer predisposition syndrome. Identifiers: Orphanet 71290, MedGen CN281654, MONDO:0011071.
Hereditary thrombocytopenia and hematological cancer predisposition syndrome associated with RUNX1. Also called: Familial Platelet Disorder with Propensity to Acute Myelogenous Leukemia; Familial thrombocytopenia with propensity to acute myelogenous leukemia; PLATELET DISORDER, ASPIRIN-LIKE; RUNX1 Familial Platelet Disorder with Associated Myeloid Malignancies. Identifiers: Orphanet 71290, MedGen C1832388, MeSH C563324, MONDO:0100083, OMIM 601399.

Submissions (2):

ClinGen Myeloid Malignancy Variant Curation Expert Panel
Classification: Uncertain significance for Hereditary thrombocytopenia and hematologic cancer predisposition syndrome. Last evaluated: 2024-11-13. Review status: reviewed by expert panel. Criteria: ClinGen MyeloMalig ACMG Specifications v2. Collection method: curation. Allele origin: germline. Inheritance: Autosomal dominant inheritance.
Comment: NM_001754.5(RUNX1):c.986C>T (p.Ala329Val) is a missense variant which has a REVEL score < 0.50 (0.131), and a SpliceAI score ≤ 0.20 (0.0) (BP4). In summary, the clinical significance of this variant is uncertain. ACMG/AMP criteria applied, as specified by the Myeloid Malignancy Variant Curation Expert Panel for RUNX1: BP4.

Labcorp Genetics (formerly Invitae), Labcorp
Classification: Uncertain significance for Hereditary thrombocytopenia and hematological cancer predisposition syndrome associated with RUNX1. Last evaluated: 2021-09-15. Review status: criteria provided, single submitter. Criteria: Invitae Variant Classification Sherloc (09022015). Collection method: clinical testing. Allele origin: germline. Not counted in ClinVar's aggregate classification.
Comment: In summary, the available evidence is currently insufficient to determine the role of this variant in disease. Therefore, it has been classified as a Variant of Uncertain Significance. Algorithms developed to predict the effect of missense changes on protein structure and function are either unavailable or do not agree on the potential impact of this missense change (SIFT: "Deleterious"; PolyPhen-2: "Possibly Damaging"; Align-GVGD: "Class C0"). This variant has not been reported in the literature in individuals affected with RUNX1-related conditions. This variant is not present in population databases (ExAC no frequency). This sequence change replaces alanine with valine at codon 329 of the RUNX1 protein (p.Ala329Val). The alanine residue is highly conserved and there is a small physicochemical difference between alanine and valine.

NM_001754.5(RUNX1):c.986C>T (p.Ala329Val)

Gene: RUNX1 (RUNX family transcription factor 1; minus strand). Cytogenetic location: 21q22.12.
Variant type: single nucleotide variant.
Coding change: c.986C>T on transcript NM_001754.5 (MANE Select); coding-DNA position 986, C replaced by T.
Protein change: p.Ala329Val; replaces alanine 329 with valine.
Molecular consequence: missense variant.
Genome position (GRCh38, 1-based): chr21:34,792,592, G>A on the plus strand (C>T on the coding strand, the complement: RUNX1 is on the minus strand). VCF-style: chr21-34792592-G-A. GRCh37 (hg19) VCF-style: chr21-36164889-G-A.
Other names: NM_001754.5(RUNX1):c.986C>T; p.Ala329Val; c.905C>T, p.Ala302Val (NM_001001890.3); short protein forms A302V, A329V.
Identifiers: ClinVar variation 1410456 (VCV001410456.7), dbSNP rs1358657401, ClinGen allele CA410148782.
Genomic context (GRCh38, chr21:34,792,592, plus strand): 5'-TAGTGCATGCGGGGGTCGGAGATGGAGGGCAGCGCGGGGAACTGGCGCGGGTCGCTGAAC[G>A]CTGTCAGGTCGGGTGCCGCTGCAGGGCGGGCAAGAGAACGGAGCGGAAGTGAGTAGGAGG-3'
Protein context (NP_001745.2, residues 319-339): SRLSTAPDLT[Ala329Val]FSDPRQFPAL